The following is an entry in ClinVar:

ClinVar aggregate classification (germline): Conflicting classifications of pathogenicity. Review status: criteria provided, conflicting classifications (1 of 4 stars). 2 submissions from 2 submitters: Uncertain significance (1); Likely benign (1). Last evaluated 2025-04-15.

Submissions (2):

Women's Health and Genetics/Laboratory Corporation of America, LabCorp
Classification: Uncertain significance. Last evaluated: 2025-04-15. Review status: criteria provided, single submitter. Criteria: LabCorp Variant Classification Summary - May 2015. Collection method: clinical testing. Allele origin: germline.
Comment: Variant summary: SHROOM4 c.4101G>C (p.Leu1367Phe) results in a non-conservative amino acid change in the encoded protein sequence. Three of five in-silico tools predict a damaging effect of the variant on protein function. The variant was absent in 181444 control chromosomes (gnomAD). The available data on variant occurrences in the general population are insufficient to allow any conclusion about variant significance. To our knowledge, no occurrence of c.4101G>C in individuals affected with X-Linked Intellectual Disability, Stocco Dos Santos Type and no experimental evidence demonstrating its impact on protein function have been reported. No submitters have cited clinical-significance assessments for this variant to ClinVar. Based on the evidence outlined above, the variant was classified as uncertain significance.

Blueprint Genetics
Classification: Likely benign. Last evaluated: 2019-01-08. Review status: criteria provided, single submitter. Criteria: ACMG Guidelines, 2015. Collection method: clinical testing. Allele origin: germline.

NM_020717.5(SHROOM4):c.4101G>C (p.Leu1367Phe)

Gene: SHROOM4 (shroom family member 4; minus strand). Cytogenetic location: Xp11.22.
Variant type: single nucleotide variant.
Coding change: c.4101G>C on transcript NM_020717.5 (MANE Select); coding-DNA position 4101, G replaced by C.
Protein change: p.Leu1367Phe; replaces leucine 1367 with phenylalanine.
Molecular consequence: missense variant. On other transcripts: non-coding transcript variant (4).
Genome position (GRCh38, 1-based): chrX:50,598,377, C>G on the plus strand (G>C on the coding strand, the complement: SHROOM4 is on the minus strand). VCF-style: chrX-50598377-C-G. GRCh37 (hg19) VCF-style: chrX-50341377-C-G.
Other names: short protein forms L1367F.
Identifiers: ClinVar variation 3896254 (VCV003896254.3).